The following is an entry in ClinVar:

NM_004738.5(VAPB):c.199A>G (p.Ile67Val)

Gene: VAPB (VAMP associated protein B and C; plus strand). Cytogenetic location: 20q13.32.
Variant type: single nucleotide variant.
Coding change: c.199A>G on transcript NM_004738.5 (MANE Select); coding-DNA position 199, A replaced by G.
Protein change: p.Ile67Val; replaces isoleucine 67 with valine.
Molecular consequence: missense variant. On other transcripts: non-coding transcript variant (1).
Genome position (GRCh38, 1-based): chr20:58,418,351, A>G. VCF-style: chr20-58418351-A-G. GRCh37 (hg19) VCF-style: chr20-56993407-A-G.
Other names: c.199A>G, p.Ile67Val (NM_001195677.2); short protein forms I67V.
Identifiers: ClinVar variation 656346 (VCV000656346.11), dbSNP rs772975721, ClinGen allele CA9924187.

ClinVar aggregate classification (germline): Uncertain significance. Review status: criteria provided, multiple submitters, no conflicts (2 of 4 stars). 2 submissions from 2 submitters: Uncertain significance (2). Last evaluated 2024-08-06.

Conditions:
Amyotrophic lateral sclerosis type 8 (ALS8). Identifiers: Orphanet 803, MedGen C1837728, MONDO:0012077, OMIM 608627.
Adult-onset proximal spinal muscular atrophy, autosomal dominant. Also called: Spinal muscular atrophy, late-onset, finkel type; FINKEL LATE-ADULT TYPE SMA. Identifiers: Orphanet 209335, MedGen C1854058, MONDO:0008453, OMIM 182980.
Inborn genetic diseases. Identifiers: MedGen C0950123, MeSH D030342.

Allele frequency attached by ClinVar (database versions not stated): gnomAD 0.00002; gnomAD exomes 0.00002 and 0.00001; ExAC 0.00001; TOPMed 0.00003.
gnomAD v4.1: 20 of 1,614,172 alleles (0.0012%); highest among the groups gnomAD compares: East Asian, 0.011%; no homozygotes.

Submissions (2):

Labcorp Genetics (formerly Invitae), Labcorp
Classification: Uncertain significance for Adult-onset proximal spinal muscular atrophy, autosomal dominant; Amyotrophic lateral sclerosis type 8. Last evaluated: 2024-08-06. Review status: criteria provided, single submitter. Criteria: Invitae Variant Classification Sherloc (09022015). Collection method: clinical testing. Allele origin: germline.
Comment: This sequence change replaces isoleucine, which is neutral and non-polar, with valine, which is neutral and non-polar, at codon 67 of the VAPB protein (p.Ile67Val). This variant is present in population databases (rs772975721, gnomAD 0.009%). This variant has not been reported in the literature in individuals affected with VAPB-related conditions. ClinVar contains an entry for this variant (Variation ID: 656346). Advanced modeling of protein sequence and biophysical properties (such as structural, functional, and spatial information, amino acid conservation, physicochemical variation, residue mobility, and thermodynamic stability) performed at Invitae indicates that this missense variant is not expected to disrupt VAPB protein function with a negative predictive value of 80%. In summary, the available evidence is currently insufficient to determine the role of this variant in disease. Therefore, it has been classified as a Variant of Uncertain Significance.

Ambry Genetics
Classification: Uncertain significance for Inborn genetic diseases. Last evaluated: 2019-11-21. Review status: criteria provided, single submitter. Criteria: Ambry Variant Classification Scheme 2023. Collection method: clinical testing. Allele origin: germline.
Comment: The p.I67V variant (also known as c.199A>G), located in coding exon 2 of the VAPB gene, results from an A to G substitution at nucleotide position 199. The isoleucine at codon 67 is replaced by valine, an amino acid with highly similar properties. This amino acid position is well conserved in available vertebrate species; however, valine is the reference amino acid in other vertebrate species. In addition, this alteration is predicted to be tolerated by in silico analysis. Since supporting evidence is limited at this time, the clinical significance of this alteration remains unclear.